The following is an entry in ClinVar:

NM_013436.5(NCKAP1):c.1861C>T (p.Gln621Ter)

Gene: NCKAP1 (NCK associated protein 1; minus strand). Cytogenetic location: 2q32.1.
Variant type: single nucleotide variant.
Coding change: c.1861C>T on transcript NM_013436.5 (MANE Select); coding-DNA position 1861, C replaced by T.
Protein change: p.Gln621Ter; replaces glutamine 621 with a stop codon.
Molecular consequence: nonsense.
Genome position (GRCh38, 1-based): chr2:182,962,179, G>A on the plus strand (C>T on the coding strand, the complement: NCKAP1 is on the minus strand). VCF-style: chr2-182962179-G-A. GRCh37 (hg19) VCF-style: chr2-183826907-G-A.
Other names: c.1879C>T, p.Gln627Ter (NM_205842.3); short protein forms Q621*, Q627*.
Identifiers: ClinVar variation 2637936 (VCV002637936.2), dbSNP rs2468604532, ClinGen allele CA349758909.

ClinVar aggregate classification (germline): Pathogenic (1 of 4 stars; one submission).

Conditions:
Neurodevelopmental abnormality. Identifiers: MedGen C4022737, HP:0012759.
Autistic behavior. Identifiers: MedGen C0856975, HP:0000729.

Submission:

Center for Human Genetics and Genomic Medicine, Uniklinik Rwth Aachen
Classification: Pathogenic for Neurodevelopmental abnormality; Autistic behavior. Last evaluated: 2023-09-04. Review status: criteria provided, single submitter. Criteria: ACMG Guidelines, 2015. Collection method: clinical testing. Allele origin: de novo. Inheritance: Autosomal dominant inheritance. Affected: yes. Observed: 1 heterozygote.
Comment: The variant has not been detected in the general population (gnomAD). It has not yet been described in the literature or in the ClinVar and dbSNP151 databases. In the case of stop or nonsense variants in a gene matching the phenotype (and matching inheritance), in which "loss of function" changes represent a known pathomechanism, pathogenetic relevance can be assumed with high probability. Based on current knowledge, the variant is to be classified as "pathogenic" (ACMG criteria).

Literature cited by the submitters: PubMed 33157009.